The following is an entry in ClinVar:

ClinVar aggregate classification (germline): Benign/Likely benign. Review status: criteria provided, multiple submitters, no conflicts (2 of 4 stars). 8 submissions from 8 submitters: Benign (5); Likely benign (3). Last evaluated 2026-09-01.

Conditions:
Polycystic liver disease 1 (PCLD1). Also called: Polycystic liver disease 1 with or without kidney cysts. Identifiers: Orphanet 2924, MedGen C0887850, MONDO:0008265, OMIM 174050.

Allele frequency attached by ClinVar (database versions not stated): TOPMed 0.00492; gnomAD 0.00513 and 0.00534; ESP Exome Variant Server 0.00531; gnomAD exomes 0.00635 and 0.00762; ExAC 0.00642; 1000 Genomes Project 0.00779; 1000 Genomes Project 30x 0.00812.
gnomAD v4.1: 11,897 of 1,613,504 alleles (0.74%); highest among the groups gnomAD compares: South Asian, 1.3%; 59 homozygotes.

Submissions (8):

CeGaT Center for Human Genetics Tuebingen
Classification: Benign. Last evaluated: 2026-09-01. Review status: criteria provided, single submitter. Criteria: CeGaT Center For Human Genetics Tuebingen Variant Classification Criteria Version 2. Collection method: clinical testing. Allele origin: germline. Affected: yes. Observed: 7 variant alleles.
Comment: PRKCSH: BP4, BS1, BS2

Labcorp Genetics (formerly Invitae), Labcorp
Classification: Benign. Last evaluated: 2026-01-23. Review status: criteria provided, single submitter. Criteria: Invitae Variant Classification Sherloc (09022015). Collection method: clinical testing. Allele origin: germline.

Blueprint Genetics
Classification: Likely benign. Last evaluated: 2024-11-28. Review status: criteria provided, single submitter. Criteria: ACMG Guidelines, 2015. Collection method: clinical testing. Allele origin: germline.

Mayo Clinic Laboratories, Mayo Clinic
Classification: Benign. Last evaluated: 2023-09-20. Review status: criteria provided, single submitter. Criteria: ACMG Guidelines, 2015. Collection method: clinical testing. Allele origin: germline. Observed: 6 variant alleles.
Comment: BA1, BS2, BP4_strong

GeneDx
Classification: Likely benign. Last evaluated: 2021-01-11. Review status: criteria provided, single submitter. Criteria: GeneDx Variant Classification Process June 2021. Collection method: clinical testing. Allele origin: germline. Affected: yes.

Illumina Laboratory Services, Illumina
Classification: Benign for Polycystic liver disease 1. Last evaluated: 2018-01-13. Review status: criteria provided, single submitter. Criteria: ICSL Variant Classification Criteria 13 December 2019. Collection method: clinical testing. Allele origin: germline.
Comment: This variant was observed in the ICSL laboratory as part of a predisposition screen in an ostensibly healthy population. It had not been previously curated by ICSL or reported in the Human Gene Mutation Database (HGMD: prior to June 1st, 2018), and was therefore a candidate for classification through an automated scoring system. Utilizing variant allele frequency, disease prevalence and penetrance estimates, and inheritance mode, an automated score was calculated to assess if this variant is too frequent to cause the disease. Based on the score and internal cut-off values, a variant classified as benign is not then subjected to further curation. The score for this variant resulted in a classification of benign for this disease.

Breakthrough Genomics
Classification: Likely benign. Review status: criteria provided, single submitter. Criteria: ACMG Guidelines, 2015. Collection method: not provided. Allele origin: germline. Inheritance: Autosomal dominant inheritance. Affected: yes.

PreventionGenetics, part of Exact Sciences
Classification: Benign. Review status: criteria provided, single submitter. Criteria: ACMG Guidelines, 2015. Collection method: clinical testing. Allele origin: germline.

Literature cited by the submitters: PubMed 31328266 (cited by Mayo Clinic Laboratories, Mayo Clinic).

NM_001289104.2(PRKCSH):c.1378A>G (p.Ile460Val)

Gene: PRKCSH (PRKCSH beta subunit of glucosidase II; plus strand). Cytogenetic location: 19p13.2.
Variant type: single nucleotide variant.
Coding change: c.1378A>G on transcript NM_001289104.2 (MANE Select); coding-DNA position 1378, A replaced by G.
Protein change: p.Ile460Val; replaces isoleucine 460 with valine.
Molecular consequence: missense variant.
Genome position (GRCh38, 1-based): chr19:11,449,092, A>G. VCF-style: chr19-11449092-A-G. GRCh37 (hg19) VCF-style: chr19-11559907-A-G.
Other names: p.Ile453Val; c.1348A>G, p.Ile450Val (NM_001001329.3, NM_001289102.2, NM_001379609.1); c.1378A>G, p.Ile460Val (NM_001289103.2); c.1357A>G, p.Ile453Val (NM_001379608.1, NM_002743.3); short protein forms I453V, I460V, I450V.
Identifiers: ClinVar variation 258793 (VCV000258793.40), dbSNP rs34351170, ClinGen allele CA9213311.